The following is an entry in ClinVar:

ClinVar aggregate classification (germline): Uncertain significance (1 of 4 stars; one submission).

Conditions:
Spinocerebellar ataxia type 29 (SCA29). Also called: Spinocerebellar ataxia 29, congenital nonprogressive; CEREBELLAR ATAXIA, CONGENITAL NONPROGRESSIVE, AUTOSOMAL DOMINANT. Identifiers: Orphanet 208513, MedGen C1861732, MONDO:0007298, OMIM 117360.

Submission:

3billion
Classification: Uncertain significance for Spinocerebellar ataxia type 29. Last evaluated: 2023-10-23. Review status: criteria provided, single submitter. Criteria: ACMG Guidelines, 2015. Collection method: clinical testing. Allele origin: germline. Affected: yes.
Comment: The variant is not observed in the gnomAD v2.1.1 dataset. Predicted Consequence/Location: Missense changes are a common disease-causing mechanism. In silico tool predictions suggest damaging effect of the variant on gene or gene product [REVEL: 0.87 (>=0.6, sensitivity 0.68 and specificity 0.92)]. Therefore, this variant is classified as VUS according to the recommendation of ACMG/AMP guideline.

NM_001378452.1(ITPR1):c.4209G>T (p.Glu1403Asp)

Gene: ITPR1 (inositol 1,4,5-trisphosphate receptor type 1; plus strand). Cytogenetic location: 3p26.1.
Variant type: single nucleotide variant.
Coding change: c.4209G>T on transcript NM_001378452.1 (MANE Select); coding-DNA position 4209, G replaced by T.
Protein change: p.Glu1403Asp; replaces glutamic acid 1403 with aspartic acid.
Molecular consequence: missense variant.
Genome position (GRCh38, 1-based): chr3:4,693,669, G>T. VCF-style: chr3-4693669-G-T. GRCh37 (hg19) VCF-style: chr3-4735353-G-T.
Other names: c.4182G>T, p.Glu1394Asp (NM_001099952.4); c.4164G>T, p.Glu1388Asp (NM_001168272.2); c.4137G>T, p.Glu1379Asp (NM_002222.7); short protein forms E1379D, E1388D, E1394D, E1403D.
Identifiers: ClinVar variation 3776118 (VCV003776118.1).